The following is an entry in ClinVar:

NM_006206.6(PDGFRA):c.1740G>A (p.Leu580=)

Gene: PDGFRA (platelet derived growth factor receptor alpha; plus strand). Cytogenetic location: 4q12.
Variant type: single nucleotide variant.
Coding change: c.1740G>A on transcript NM_006206.6 (MANE Select); coding-DNA position 1740, G replaced by A.
Protein change: p.Leu580=; no amino-acid change (leucine 580 retained).
Molecular consequence: synonymous variant.
Genome position (GRCh38, 1-based): chr4:54,274,927, G>A. VCF-style: chr4-54274927-G-A. GRCh37 (hg19) VCF-style: chr4-55141094-G-A.
Other names: c.1740G>A, p.Leu580= (NM_001347827.2, NM_001347829.2); c.1815G>A, p.Leu605= (NM_001347828.2); c.1779G>A, p.Leu593= (NM_001347830.2).
Identifiers: ClinVar variation 1779195 (VCV001779195.8), dbSNP rs757476272, ClinGen allele CA2922668.

ClinVar aggregate classification (germline): Benign/Likely benign. Review status: criteria provided, multiple submitters, no conflicts (2 of 4 stars). 3 submissions from 3 submitters: Benign (1); Likely benign (2). Last evaluated 2026-06-17.

Conditions:
Polyps, multiple and recurrent inflammatory fibroid, gastrointestinal. Identifiers: MedGen C5193005, MONDO:0008285, OMIM 175510.
Hereditary cancer-predisposing syndrome. Also called: Neoplastic Syndromes, Hereditary; Tumor predisposition; Hereditary Cancer Syndrome; Hereditary neoplastic syndrome. Identifiers: Orphanet 140162, MedGen C0027672, MeSH D009386, MONDO:0015356.
Gastrointestinal stromal tumor. Also called: Gastrointestinal stromal tumor, somatic; Gastrointestinal stroma tumor. Identifiers: Orphanet 44890, MedGen C0238198, MeSH D046152, MONDO:0011719, OMIM 606764, HP:0100723.

Allele frequency attached by ClinVar (database versions not stated): gnomAD 0.00001; gnomAD exomes 0.00001; ExAC 0.00002.
gnomAD v4.1: 13 of 1,614,032 alleles (0.00081%); highest among the groups gnomAD compares: South Asian, 0.013%; no homozygotes.

Submissions (3):

Myriad Genetics, Inc.
Classification: Benign for Polyps, multiple and recurrent inflammatory fibroid, gastrointestinal. Last evaluated: 2026-06-17. Review status: criteria provided, single submitter. Criteria: Myriad Autosomal Dominant, Autosomal Recessive and X-Linked Classification Criteria (2023). Collection method: clinical testing. Allele origin: unknown.
Comment: This variant is considered benign. This variant is a silent/synonymous amino acid change and it is not expected to impact splicing.

Labcorp Genetics (formerly Invitae), Labcorp
Classification: Likely benign for Gastrointestinal stromal tumor. Last evaluated: 2025-08-17. Review status: criteria provided, single submitter. Criteria: Invitae Variant Classification Sherloc (09022015). Collection method: clinical testing. Allele origin: germline.

Ambry Genetics
Classification: Likely benign for Hereditary cancer-predisposing syndrome. Last evaluated: 2022-04-29. Review status: criteria provided, single submitter. Criteria: Ambry Variant Classification Scheme 2023. Collection method: clinical testing. Allele origin: germline.